The following is an entry in ClinVar:

NM_004612.4(TGFBR1):c.1060C>A (p.Leu354Met)

Gene: TGFBR1 (transforming growth factor beta receptor 1; plus strand). Cytogenetic location: 9q22.33.
Variant type: single nucleotide variant.
Coding change: c.1060C>A on transcript NM_004612.4 (MANE Select); coding-DNA position 1060, C replaced by A.
Protein change: p.Leu354Met; replaces leucine 354 with methionine.
Molecular consequence: missense variant.
Genome position (GRCh38, 1-based): chr9:99,144,818, C>A. VCF-style: chr9-99144818-C-A. GRCh37 (hg19) VCF-style: chr9-101907100-C-A.
Other names: c.829C>A, p.Leu277Met (NM_001130916.3, NM_001407435.1); c.1072C>A, p.Leu358Met (NM_001306210.2); c.904C>A, p.Leu302Met (NM_001407416.1); c.892C>A, p.Leu298Met (NM_001407417.1); c.865C>A, p.Leu289Met (NM_001407418.1, NM_001407419.1, NM_001407420.1 and 1 more transcripts); c.853C>A, p.Leu285Met (NM_001407423.1, NM_001407424.1, NM_001407425.1 and 8 more transcripts); c.814C>A, p.Leu272Met (NM_001407436.1); c.352C>A, p.Leu118Met (NM_001407437.1); and 1 more; short protein forms L118M, L195M, L272M, L277M, L285M, L289M, L298M, L302M.
Identifiers: ClinVar variation 1806085 (VCV001806085.2), dbSNP rs2118805649, ClinGen allele CA374231494.

ClinVar aggregate classification (germline): Uncertain significance (1 of 4 stars; one submission).

Conditions:
Loeys-Dietz syndrome 1 (LDS1). Also called: TGFBR1-Related Loeys-Dietz Syndrome; FURLONG SYNDROME; AORTIC ANEURYSM, FAMILIAL THORACIC 5. Identifiers: Orphanet 60030, MedGen C4551955, MONDO:0012212, OMIM 609192.

Submission:

Victorian Clinical Genetics Services, Murdoch Childrens Research Institute
Classification: Uncertain significance for Loeys-Dietz syndrome 1. Last evaluated: 2023-07-16. Review status: criteria provided, single submitter. Criteria: ACMG Guidelines, 2015. Collection method: clinical testing. Allele origin: germline. Inheritance: Autosomal dominant inheritance. Affected: yes.
Comment: Based on the classification scheme VCGS_Germline_v1.3.4, this variant is classified as VUS-3A. Following criteria are met: 0102 - Loss of function is a known mechanism of disease in this gene. In addition, missense variants have been postulated to exert a dominant negative effect. Both mechanisms are associated with Loeys-Dietz syndrome (MIM#609192) (PMID: 30701076). (I) 0107 - This gene is associated with autosomal dominant disease. (I) 0115 - Variants in this gene are known to have variable expressivity. There is considerable variability in the phenotype, from mild features to severe systemic abnormalities (PMID: 32339686). (I) 0200 - Variant is predicted to result in a missense amino acid change from leucine to methionine. (I) 0251 - This variant is heterozygous. (I) 0301 - Variant is absent from gnomAD (both v2 and v3). (SP) 0502 - Missense variant with conflicting in silico predictions and very high conservation. (I) 0603 - Missense variant in a region that is highly intolerant to missense variation (high constraint region in DECIPHER). (SP) 0703 - Other missense variants comparable to the one identified in this case have moderate previous evidence for pathogenicity. p.(Leu354Pro) was identified in an individual with Loeys-Dietz syndrome (PMID: 18852674) and classified as likely pathogenic by a diagnostic laboratory in ClinVar. p.(Leu354Arg) (annotated as Leu277Arg in the paper) was identified in an individual with thoracic aortic aneurysm (PMID: 28550590). (SP) 0807 - This variant has no previous evidence of pathogenicity. (I) 0905 - No published segregation evidence has been identified for this variant. (I) 1007 - No published functional evidence has been identified for this variant. (I) Legend: (SP) - Supporting Pathogenic, (I) – Information, (SB) – Supporting Benign

Literature cited by the submitters: PubMed 18852674; PubMed 28550590; PubMed 30701076; PubMed 32339686.